The following is an entry in ClinVar:

NM_003334.4(UBA1):c.2405A>G (p.Lys802Arg)

Gene: UBA1 (ubiquitin like modifier activating enzyme 1; plus strand). Cytogenetic location: Xp11.3.
Variant type: single nucleotide variant.
Coding change: c.2405A>G on transcript NM_003334.4 (MANE Select); coding-DNA position 2405, A replaced by G.
Protein change: p.Lys802Arg; replaces lysine 802 with arginine.
Molecular consequence: missense variant.
Genome position (GRCh38, 1-based): chrX:47,211,166, A>G. VCF-style: chrX-47211166-A-G. GRCh37 (hg19) VCF-style: chrX-47070565-A-G.
Other names: c.2405A>G, p.Lys802Arg (NM_153280.3); short protein forms K802R.
Identifiers: ClinVar variation 3691948 (VCV003691948.2).

ClinVar aggregate classification (germline): Uncertain significance (1 of 4 stars; one submission).

Conditions:
Infantile-onset X-linked spinal muscular atrophy. Also called: AMC, DISTAL, X-LINKED; ARTHROGRYPOSIS, X-LINKED, TYPE I; SPINAL MUSCULAR ATROPHY, X-LINKED LETHAL INFANTILE; Spinal Muscular Atrophy, X-Linked Infantile; Spinal muscular atrophy, X-linked 2. Identifiers: Orphanet 1145, MedGen C1844934, MONDO:0010532, OMIM 301830.

Submission:

Labcorp Genetics (formerly Invitae), Labcorp
Classification: Uncertain significance for Infantile-onset X-linked spinal muscular atrophy. Last evaluated: 2024-09-16. Review status: criteria provided, single submitter. Criteria: Invitae Variant Classification Sherloc (09022015). Collection method: clinical testing. Allele origin: germline.
Comment: This sequence change replaces lysine, which is basic and polar, with arginine, which is basic and polar, at codon 802 of the UBA1 protein (p.Lys802Arg). This variant is not present in population databases (gnomAD no frequency). This variant has not been reported in the literature in individuals affected with UBA1-related conditions. An algorithm developed to predict the effect of missense changes on protein structure and function (PolyPhen-2) suggests that this variant is likely to be tolerated. In summary, the available evidence is currently insufficient to determine the role of this variant in disease. Therefore, it has been classified as a Variant of Uncertain Significance.